The following is an entry in ClinVar:

NM_000059.4(BRCA2):c.829_832dup (p.Ser278delinsLysTer)

Gene: BRCA2 (BRCA2 DNA repair associated; plus strand). Cytogenetic location: 13q13.1.
Variant type: Duplication.
Coding change: c.829_832dup on transcript NM_000059.4 (MANE Select); coding-DNA positions 829 to 832, 4 bases duplicated (AATA; older notation c.829_832dupAATA).
Protein change: p.Ser278delinsLysTer.
Molecular consequence: nonsense. On other transcripts: non-coding transcript variant (1), intron variant (1).
Genome position (GRCh38, 1-based): chr13:32,332,307-32,332,310, AATA duplicated; duplicating any 4 consecutive bases within chr13:32,332,305-32,332,310 gives the same sequence; the c. name uses the placement nearest the transcript's 3' end. VCF-style (leftmost placement, unchanged base first): chr13-32332304-G-GTAAA. GRCh37 (hg19) VCF-style: chr13-32906441-G-GTAAA.
Other names: c.829_832dup, p.Ser278delinsLysTer (NM_001406719.1, NM_001406720.1, NM_001406721.1 and 1 more transcripts); c.424+1277_424+1280dup (NM_001406722.1).
Identifiers: ClinVar variation 4733486 (VCV004733486.1).

ClinVar aggregate classification (germline): Pathogenic (1 of 4 stars; one submission).

Conditions:
Hereditary breast ovarian cancer syndrome. Also called: BRCA1- and BRCA2-Associated Hereditary Breast and Ovarian Cancer; Breast and ovarian cancer; Hereditary breast and ovarian cancer; Hereditary breast and ovarian cancer syndrome (HBOC); Hereditary breast and ovarian cancer syndrome; Hereditary breast and/or ovarian cancer syndrome. Identifiers: Orphanet 145, MedGen C0677776, MeSH D061325, MONDO:0003582. Disease mechanism: loss of function.

Submission:

Labcorp Genetics (formerly Invitae), Labcorp
Classification: Pathogenic for Hereditary breast ovarian cancer syndrome. Last evaluated: 2025-12-17. Review status: criteria provided, single submitter. Criteria: Invitae Variant Classification Sherloc (09022015). Collection method: clinical testing. Allele origin: germline.
Comment: This sequence change creates a premature translational stop signal (p.Ser278delinsLys*) in the BRCA2 gene. It is expected to result in an absent or disrupted protein product. Loss-of-function variants in BRCA2 are known to be pathogenic (PMID: 20104584). This variant is not present in population databases (gnomAD no frequency). This variant has not been reported in the literature in individuals affected with BRCA2-related conditions. For these reasons, this variant has been classified as Pathogenic.

Literature cited by the submitters: PubMed 20104584.